The following is an entry in ClinVar:

ClinVar aggregate classification (germline): Uncertain significance (1 of 4 stars; one submission).

Conditions:
Spondyloepimetaphyseal dysplasia, PAPSS2 type. Also called: SEMD, PAKISTANI TYPE; BRACHYOLMIA TYPE 4 WITH MILD EPIPHYSEAL AND METAPHYSEAL CHANGES; SPONDYLODYSPLASIA AND PREMATURE PUBARCHE. Identifiers: Orphanet 93282, MedGen C2748516, MONDO:0019666, OMIM 612847.

Allele frequency attached by ClinVar (database versions not stated): ExAC 0.00001; TOPMed 0.00002.
gnomAD v4.1: 12 of 1,610,200 alleles (0.00075%); highest among the groups gnomAD compares: South Asian, 0.0011%; no homozygotes.

Submission:

Labcorp Genetics (formerly Invitae), Labcorp
Classification: Uncertain significance for Spondyloepimetaphyseal dysplasia, PAPSS2 type. Last evaluated: 2022-03-01. Review status: criteria provided, single submitter. Criteria: Invitae Variant Classification Sherloc (09022015). Collection method: clinical testing. Allele origin: germline.
Comment: This sequence change replaces proline, which is neutral and non-polar, with threonine, which is neutral and polar, at codon 572 of the PAPSS2 protein (p.Pro572Thr). This variant is present in population databases (rs762993901, gnomAD 0.0009%). This variant has not been reported in the literature in individuals affected with PAPSS2-related conditions. Algorithms developed to predict the effect of missense changes on protein structure and function (SIFT, PolyPhen-2, Align-GVGD) all suggest that this variant is likely to be tolerated. In summary, the available evidence is currently insufficient to determine the role of this variant in disease. Therefore, it has been classified as a Variant of Uncertain Significance.

NM_001015880.2(PAPSS2):c.1714C>A (p.Pro572Thr)

Gene: PAPSS2 (3'-phosphoadenosine 5'-phosphosulfate synthase 2; plus strand). Cytogenetic location: 10q23.31.
Variant type: single nucleotide variant.
Coding change: c.1714C>A on transcript NM_001015880.2 (MANE Select); coding-DNA position 1714, C replaced by A.
Protein change: p.Pro572Thr; replaces proline 572 with threonine.
Molecular consequence: missense variant.
Genome position (GRCh38, 1-based): chr10:87,745,224, C>A. VCF-style: chr10-87745224-C-A. GRCh37 (hg19) VCF-style: chr10-89504981-C-A.
Other names: c.1699C>A, p.Pro567Thr (NM_004670.4); short protein forms P572T, P567T.
Identifiers: ClinVar variation 2160605 (VCV002160605.1), dbSNP rs762993901, ClinGen allele CA5589820.
Genomic context (GRCh38, chr10:87,745,224, plus strand): 5'-ATCATTCCATTCCGAGTGGCTGCCTACAACAAAGCCAAAAAAGCCATGGACTTCTATGAT[C>A]CAGCAAGGTAGGTTTTCAGAGGAAAATTCTTTTATCAACATCTGTATAAAAGAAATGATG-3'
Protein context (NP_001015880.1, residues 562-582): KAKKAMDFYD[Pro572Thr]ARHNEFDFIS